The following is an entry in ClinVar:

ClinVar aggregate classification (germline): Uncertain significance (1 of 4 stars; one submission).

Conditions:
Hereditary nonpolyposis colorectal neoplasms. Identifiers: MedGen C0009405, MeSH D003123.

Submission:

Labcorp Genetics (formerly Invitae), Labcorp
Classification: Uncertain significance for Hereditary nonpolyposis colorectal neoplasms. Last evaluated: 2023-08-29. Review status: criteria provided, single submitter. Criteria: Invitae Variant Classification Sherloc (09022015). Collection method: clinical testing. Allele origin: germline.
Comment: This variant is not present in population databases (gnomAD no frequency). In summary, the available evidence is currently insufficient to determine the role of this variant in disease. Therefore, it has been classified as a Variant of Uncertain Significance. Advanced modeling of protein sequence and biophysical properties (such as structural, functional, and spatial information, amino acid conservation, physicochemical variation, residue mobility, and thermodynamic stability) performed at Invitae indicates that this missense variant is not expected to disrupt PMS2 protein function. This variant has not been reported in the literature in individuals affected with PMS2-related conditions. This sequence change replaces aspartic acid, which is acidic and polar, with glycine, which is neutral and non-polar, at codon 550 of the PMS2 protein (p.Asp550Gly).

NM_000535.7(PMS2):c.1649A>G (p.Asp550Gly)

Gene: PMS2 (PMS1 homolog 2, mismatch repair system component; minus strand). Cytogenetic location: 7p22.1.
Variant type: single nucleotide variant.
Coding change: c.1649A>G on transcript NM_000535.7 (MANE Select); coding-DNA position 1649, A replaced by G.
Protein change: p.Asp550Gly; replaces aspartic acid 550 with glycine.
Molecular consequence: missense variant. On other transcripts: non-coding transcript variant (1), intron variant (1).
Genome position (GRCh38, 1-based): chr7:5,987,116, T>C on the plus strand (A>G on the coding strand, the complement: PMS2 is on the minus strand). VCF-style: chr7-5987116-T-C. GRCh37 (hg19) VCF-style: chr7-6026747-T-C.
Other names: c.1340A>G, p.Asp447Gly (NM_001406877.1, NM_001406878.1, NM_001406879.1 and 5 more transcripts); c.1331A>G, p.Asp444Gly (NM_001406883.1, NM_001406903.1, NM_001322007.2 and 2 more transcripts); c.1325A>G, p.Asp442Gly (NM_001406884.1); c.1313A>G, p.Asp438Gly (NM_001406885.1); c.1283A>G, p.Asp428Gly (NM_001406886.1); c.1244A>G, p.Asp415Gly (NM_001406896.1, NM_001406897.1, NM_001406898.1 and 17 more transcripts); c.1184A>G, p.Asp395Gly (NM_001406900.1); c.1175A>G, p.Asp392Gly (NM_001406901.1, NM_001406902.1); and 13 more; short protein forms D395G, D379G, D428G, D447G, D494G, D550G, D558G, D612G.
Identifiers: ClinVar variation 2971263 (VCV002971263.3), dbSNP rs2535756169, ClinGen allele CA366741386.